The following is an entry in ClinVar:

ClinVar aggregate classification (germline): Uncertain significance. Review status: criteria provided, multiple submitters, no conflicts (2 of 4 stars). 2 submissions from 2 submitters: Uncertain significance (2). Last evaluated 2025-10-04.

Conditions:
Primary ciliary dyskinesia 13. Also called: CILIARY DYSKINESIA, PRIMARY, 13, WITH OR WITHOUT SITUS INVERSUS. Identifiers: Orphanet 244, MedGen C2750790, MONDO:0013174, OMIM 613193.
Primary ciliary dyskinesia. Also called: Ciliary dyskinesia. Identifiers: Orphanet 244, MedGen C0008780, MONDO:0016575, HP:0012265.

Allele frequency attached by ClinVar (database versions not stated): gnomAD 0.00001; gnomAD exomes 0.00001; TOPMed 0.00002.
gnomAD v4.1: 16 of 1,614,040 alleles (0.00099%); highest among the groups gnomAD compares: African/African-American, 0.0013%; no homozygotes.

Submissions (2):

3billion
Classification: Uncertain significance for Primary ciliary dyskinesia 13. Last evaluated: 2025-10-04. Review status: criteria provided, single submitter. Criteria: ACMG Guidelines, 2015. Collection method: clinical testing. Allele origin: germline. Affected: yes.
Comment: The variant is observed at an extremely low frequency in the gnomAD v4.1.0 dataset (total allele frequency: <0.001%). Predicted Consequence/Location: Missense variant. The majority of the known disease-causing variants of this gene are variants expected to result in premature termination of the protein. The variant has been reported as of uncertain significance (ClinVar ID: VCV002194926). Therefore, this variant is classified as VUS according to the recommendation of ACMG/AMP guideline.

Labcorp Genetics (formerly Invitae), Labcorp
Classification: Uncertain significance for Primary ciliary dyskinesia. Last evaluated: 2022-05-07. Review status: criteria provided, single submitter. Criteria: Invitae Variant Classification Sherloc (09022015). Collection method: clinical testing. Allele origin: germline.
Comment: This sequence change replaces asparagine, which is neutral and polar, with serine, which is neutral and polar, at codon 139 of the DNAAF1 protein (p.Asn139Ser). This variant is not present in population databases (gnomAD no frequency). This variant has not been reported in the literature in individuals affected with DNAAF1-related conditions. Algorithms developed to predict the effect of missense changes on protein structure and function (SIFT, PolyPhen-2, Align-GVGD) all suggest that this variant is likely to be disruptive. In summary, the available evidence is currently insufficient to determine the role of this variant in disease. Therefore, it has been classified as a Variant of Uncertain Significance.

NM_178452.6(DNAAF1):c.416A>G (p.Asn139Ser)

Gene: DNAAF1 (dynein axonemal assembly factor 1; plus strand). Cytogenetic location: 16q24.1.
Variant type: single nucleotide variant.
Coding change: c.416A>G on transcript NM_178452.6 (MANE Select); coding-DNA position 416, A replaced by G.
Protein change: p.Asn139Ser; replaces asparagine 139 with serine.
Molecular consequence: missense variant.
Genome position (GRCh38, 1-based): chr16:84,154,640, A>G. VCF-style: chr16-84154640-A-G. GRCh37 (hg19) VCF-style: chr16-84188245-A-G.
Other names: short protein forms N139S.
Identifiers: ClinVar variation 2194926 (VCV002194926.2), dbSNP rs113737166, ClinGen allele CA285503849.